The following is an entry in ClinVar:

ClinVar aggregate classification (germline): Pathogenic (1 of 4 stars; one submission).

Conditions:
SLC39A8-CDG. Also called: CONGENITAL DISORDER OF GLYCOSYLATION, TYPE IIn; CDG IIn; SLC39A8 deficiency. Identifiers: Orphanet 468699, MedGen C4225234, MONDO:0014746, OMIM 616721.

Submission:

Metabolic Research Unit, Children's University Hospital Muenster
Classification: Pathogenic for SLC39A8 deficiency. Last evaluated: 2015-11-03. Review status: criteria provided, single submitter. Criteria: Park et al. (AJHG 2015). Collection method: research. Allele origin: germline. Affected: yes. Observed: 1 variant allele.

NM_022154.5(SLC39A8):c.[97G>A;1004G>C];[c.610G>T]

Variant type: CompoundHeterozygote.
Identifiers: ClinVar variation 424757 (VCV000424757.5).